The following is an entry in ClinVar:

NM_000193.4(SHH):c.1290G>A (p.Ala430=)

Gene: SHH (sonic hedgehog signaling molecule; minus strand). Cytogenetic location: 7q36.3.
Variant type: single nucleotide variant.
Coding change: c.1290G>A on transcript NM_000193.4 (MANE Select); coding-DNA position 1290, G replaced by A.
Protein change: p.Ala430=; no amino-acid change (alanine 430 retained).
Molecular consequence: synonymous variant. On other transcripts: intron variant (1).
Genome position (GRCh38, 1-based): chr7:155,802,999, C>T on the plus strand (G>A on the coding strand, the complement: SHH is on the minus strand). VCF-style: chr7-155802999-C-T. GRCh37 (hg19) VCF-style: chr7-155595693-C-T.
Other names: c.302-2754G>A (NM_001310462.2).
Identifiers: ClinVar variation 3061578 (VCV003061578.2), dbSNP rs770780772, ClinGen allele CA4586884.
Genomic context (GRCh38, chr7:155,802,999, plus strand): 5'-CTCGCTGTCCAGGAGCCAGGTGCCTATTTGGTAGAGCAGCTGCGAGTACCAGTGGATGCC[C>T]GCGGTGGCCCCCGCACCCGGAGCGTCGGCAGCACCTGGAGCGGTTAGGGCTACTCTGCCG-3'
Protein context (NP_000184.1, residues 420-440): AADAPGAGAT[Ala430=]GIHWYSQLLY

ClinVar aggregate classification (germline): Likely benign (0 of 4 stars; one submission).

Conditions:
SHH-related disorder. Also called: SHH-related disorders; SHH-related condition.

Allele frequency attached by ClinVar (database versions not stated): gnomAD 0.00001; ExAC 0.00002.

Submission:

PreventionGenetics, part of Exact Sciences
Classification: Likely benign for SHH-related condition. Last evaluated: 2021-04-29. Review status: no assertion criteria provided. Collection method: clinical testing. Allele origin: germline.
Comment: This variant is classified as likely benign based on ACMG/AMP sequence variant interpretation guidelines (Richards et al. 2015 PMID: 25741868, with internal and published modifications).